The following is an entry in ClinVar:

ClinVar aggregate classification (germline): Uncertain significance. Review status: criteria provided, multiple submitters, no conflicts (2 of 4 stars). 2 submissions from 2 submitters: Uncertain significance (2). Last evaluated 2025-05-06.

Conditions:
Neutropenia, severe congenital, 2, autosomal dominant. Identifiers: Orphanet 486, MedGen C2751288, MONDO:0013139, OMIM 613107.

Submissions (2):

Ambry Genetics
Classification: Uncertain significance. Last evaluated: 2025-05-06. Review status: criteria provided, single submitter. Criteria: Ambry Variant Classification Scheme 2023. Collection method: clinical testing. Allele origin: germline.
Comment: The p.S83G variant (also known as c.247A>G), located in coding exon 2 of the GFI1 gene, results from an A to G substitution at nucleotide position 247. The serine at codon 83 is replaced by glycine, an amino acid with similar properties. This amino acid position is conserved. In addition, this alteration is predicted to be tolerated by in silico analysis. Based on the available evidence, the clinical significance of this variant remains unclear.

Labcorp Genetics (formerly Invitae), Labcorp
Classification: Uncertain significance for Neutropenia, severe congenital, 2, autosomal dominant. Last evaluated: 2025-03-05. Review status: criteria provided, single submitter. Criteria: Invitae Variant Classification Sherloc (09022015). Collection method: clinical testing. Allele origin: germline.
Comment: This sequence change replaces serine, which is neutral and polar, with glycine, which is neutral and non-polar, at codon 83 of the GFI1 protein (p.Ser83Gly). This variant is not present in population databases (gnomAD no frequency). This variant has not been reported in the literature in individuals affected with GFI1-related conditions. Invitae Evidence Modeling of protein sequence and biophysical properties (such as structural, functional, and spatial information, amino acid conservation, physicochemical variation, residue mobility, and thermodynamic stability) indicates that this missense variant is not expected to disrupt GFI1 protein function with a negative predictive value of 80%. In summary, the available evidence is currently insufficient to determine the role of this variant in disease. Therefore, it has been classified as a Variant of Uncertain Significance.

NM_005263.5(GFI1):c.247A>G (p.Ser83Gly)

Gene: GFI1 (growth factor independent 1 transcriptional repressor; minus strand). Cytogenetic location: 1p22.1.
Variant type: single nucleotide variant.
Coding change: c.247A>G on transcript NM_005263.5 (MANE Select); coding-DNA position 247, A replaced by G.
Protein change: p.Ser83Gly; replaces serine 83 with glycine.
Molecular consequence: missense variant.
Genome position (GRCh38, 1-based): chr1:92,482,915, T>C on the plus strand (A>G on the coding strand, the complement: GFI1 is on the minus strand). VCF-style: chr1-92482915-T-C. GRCh37 (hg19) VCF-style: chr1-92948472-T-C.
Other names: c.247A>G, p.Ser83Gly (NM_001127216.3, NM_001127215.3); short protein forms S83G.
Identifiers: ClinVar variation 4029416 (VCV004029416.2).